The following is an entry in ClinVar:

ClinVar aggregate classification (germline): Conflicting classifications of pathogenicity. Review status: criteria provided, conflicting classifications (1 of 4 stars). 4 submissions from 4 submitters: Likely pathogenic (1); Uncertain significance (3). Last evaluated 2025-08-11.

Conditions:
EYS-related disorder. Also called: EYS-related condition.
Inborn genetic diseases. Identifiers: MedGen C0950123, MeSH D030342.

Allele frequency attached by ClinVar (database versions not stated): gnomAD exomes below 0.00001; TOPMed 0.00001.
gnomAD v4.1: 3 of 1,550,088 alleles (0.00019%); highest among the groups gnomAD compares: African/African-American, 0.0041%; no homozygotes.

Submissions (4):

Ambry Genetics
Classification: Uncertain significance for Inborn genetic diseases. Last evaluated: 2025-08-11. Review status: criteria provided, single submitter. Criteria: Ambry Variant Classification Scheme 2023. Collection method: clinical testing. Allele origin: germline.

GeneDx
Classification: Uncertain significance. Last evaluated: 2024-09-12. Review status: criteria provided, single submitter. Criteria: GeneDx Variant Classification Process June 2021. Collection method: clinical testing. Allele origin: germline. Affected: yes.
Comment: Not observed at significant frequency in large population cohorts (gnomAD); In silico analysis indicates that this missense variant does not alter protein structure/function; Has not been previously published as pathogenic or benign to our knowledge

Labcorp Genetics (formerly Invitae), Labcorp
Classification: Uncertain significance. Last evaluated: 2024-05-24. Review status: criteria provided, single submitter. Criteria: Invitae Variant Classification Sherloc (09022015). Collection method: clinical testing. Allele origin: germline.
Comment: This sequence change replaces cysteine, which is neutral and slightly polar, with arginine, which is basic and polar, at codon 2216 of the EYS protein (p.Cys2216Arg). This variant is not present in population databases (gnomAD no frequency). This variant has not been reported in the literature in individuals affected with EYS-related conditions. ClinVar contains an entry for this variant (Variation ID: 1403768). Advanced modeling of protein sequence and biophysical properties (such as structural, functional, and spatial information, amino acid conservation, physicochemical variation, residue mobility, and thermodynamic stability) has been performed at Invitae for this missense variant, however the output from this modeling did not meet the statistical confidence thresholds required to predict the impact of this variant on EYS protein function. In summary, the available evidence is currently insufficient to determine the role of this variant in disease. Therefore, it has been classified as a Variant of Uncertain Significance.

Blueprint Genetics
Classification: Likely pathogenic for EYS-related disorders. Last evaluated: 2020-09-24. Review status: criteria provided, single submitter. Criteria: ACMG Guidelines, 2015. Collection method: clinical testing. Allele origin: germline. Affected: yes. Observed: 5 variant alleles.

NM_001142800.2(EYS):c.6646T>C (p.Cys2216Arg)

Gene: EYS (EGF-like photoreceptor maintenance factor; minus strand). Cytogenetic location: 6q12.
Variant type: single nucleotide variant.
Coding change: c.6646T>C on transcript NM_001142800.2 (MANE Select); coding-DNA position 6646, T replaced by C.
Protein change: p.Cys2216Arg; replaces cysteine 2216 with arginine.
Molecular consequence: missense variant.
Genome position (GRCh38, 1-based): chr6:64,066,417, A>G on the plus strand (T>C on the coding strand, the complement: EYS is on the minus strand). VCF-style: chr6-64066417-A-G. GRCh37 (hg19) VCF-style: chr6-64776310-A-G.
Other names: c.6646T>C (NM_001142800.1); c.6646T>C, p.Cys2216Arg (NM_001292009.2); short protein forms C2216R.
Identifiers: ClinVar variation 1403768 (VCV001403768.9), dbSNP rs1239231782, ClinGen allele CA364389691.